The following is an entry in ClinVar:

NM_015662.3(IFT172):c.1221T>G (p.Asn407Lys)

Gene: IFT172 (intraflagellar transport 172; minus strand). Cytogenetic location: 2p23.3.
Variant type: single nucleotide variant.
Coding change: c.1221T>G on transcript NM_015662.3 (MANE Select); coding-DNA position 1221, T replaced by G.
Protein change: p.Asn407Lys; replaces asparagine 407 with lysine.
Molecular consequence: missense variant.
Genome position (GRCh38, 1-based): chr2:27,477,559, A>C on the plus strand (T>G on the coding strand, the complement: IFT172 is on the minus strand). VCF-style: chr2-27477559-A-C. GRCh37 (hg19) VCF-style: chr2-27700426-A-C.
Other names: short protein forms N407K.
Identifiers: ClinVar variation 1485963 (VCV001485963.6), dbSNP rs1470090185, ClinGen allele CA346394462.

ClinVar aggregate classification (germline): Uncertain significance (1 of 4 stars; one submission).

Conditions:
Retinitis pigmentosa 71 (RP71). Identifiers: Orphanet 791, MedGen C4225342, MONDO:0014618, OMIM 616394.
Short-rib thoracic dysplasia 10 with or without polydactyly (SRTD10). Identifiers: Orphanet 474, MedGen C3810175, MONDO:0014284, OMIM 615630.

Allele frequency attached by ClinVar (database versions not stated): TOPMed below 0.00001; gnomAD 0.00001.
gnomAD v4.1: 2 of 1,600,340 alleles (0.00012%); highest among the groups gnomAD compares: Non-Finnish European, 0.00017%; no homozygotes.

Submission:

Labcorp Genetics (formerly Invitae), Labcorp
Classification: Uncertain significance for Retinitis pigmentosa 71; Short-rib thoracic dysplasia 10 with or without polydactyly. Last evaluated: 2021-11-01. Review status: criteria provided, single submitter. Criteria: Invitae Variant Classification Sherloc (09022015). Collection method: clinical testing. Allele origin: germline.
Comment: In summary, the available evidence is currently insufficient to determine the role of this variant in disease. Therefore, it has been classified as a Variant of Uncertain Significance. Algorithms developed to predict the effect of sequence changes on RNA splicing suggest that this variant may create or strengthen a splice site. Algorithms developed to predict the effect of missense changes on protein structure and function are either unavailable or do not agree on the potential impact of this missense change (SIFT: "Deleterious"; PolyPhen-2: "Benign"; Align-GVGD: "Class C0"). This variant has not been reported in the literature in individuals affected with IFT172-related conditions. This variant is present in population databases (no rsID available, gnomAD 0.007%). This sequence change replaces asparagine, which is neutral and polar, with lysine, which is basic and polar, at codon 407 of the IFT172 protein (p.Asn407Lys).